The following is an entry in ClinVar:

ClinVar aggregate classification (germline): Pathogenic/Likely pathogenic. Review status: criteria provided, multiple submitters, no conflicts (2 of 4 stars). 2 submissions from 2 submitters: Pathogenic (1); Likely pathogenic (1). Last evaluated 2023-07-14.

Conditions:
Retinitis pigmentosa 2 (RP2). Also called: Retinitis pigmentosa 2, X linked. Identifiers: Orphanet 791, MedGen C2681923, MONDO:0010723, OMIM 312600.

Submissions (2):

Labcorp Genetics (formerly Invitae), Labcorp
Classification: Pathogenic. Last evaluated: 2023-07-14. Review status: criteria provided, single submitter. Criteria: Invitae Variant Classification Sherloc (09022015). Collection method: clinical testing. Allele origin: germline.
Comment: For these reasons, this variant has been classified as Pathogenic. This variant disrupts a region of the RP2 protein in which other variant(s) (Deletion (Exon 5)) have been determined to be pathogenic (Invitae). This suggests that this is a clinically significant region of the protein, and that variants that disrupt it are likely to be disease-causing. Variants that disrupt the consensus splice site are a relatively common cause of aberrant splicing (PMID: 17576681, 9536098). Algorithms developed to predict the effect of sequence changes on RNA splicing suggest that this variant may disrupt the consensus splice site. ClinVar contains an entry for this variant (Variation ID: 1043015). Disruption of this splice site has been observed in individuals with retinitis pigmentosa (PMID: 31736247; Invitae). This variant is not present in population databases (gnomAD no frequency). This sequence change affects a donor splice site in intron 4 of the RP2 gene. While this variant is not anticipated to result in nonsense mediated decay, it likely alters RNA splicing and results in a disrupted protein product.

Ocular Genomics Institute, Massachusetts Eye and Ear
Classification: Likely pathogenic for Retinitis pigmentosa 2. Last evaluated: 2021-04-08. Review status: criteria provided, single submitter. Criteria: ACMG Guidelines, 2015. Collection method: research. Allele origin: germline. Affected: yes.
Comment: Through a review of available evidence we were able to apply the following criteria: PVS1, PM2. Based on this evidence we have classified this variant as Likely Pathogenic.

Literature cited by the submitters: PubMed 17576681 (cited by Labcorp Genetics (formerly Invitae), Labcorp); PubMed 9536098 (cited by Labcorp Genetics (formerly Invitae), Labcorp); PubMed 31736247 (cited by Labcorp Genetics (formerly Invitae), Labcorp).

NM_006915.3(RP2):c.969+2T>C

Gene: RP2 (RP2 activator of ARL3 GTPase; plus strand). Cytogenetic location: Xp11.3.
Variant type: single nucleotide variant.
Coding change: c.969+2T>C on transcript NM_006915.3 (MANE Select); the canonical splice donor site of the intron after coding-DNA position 969, T replaced by C.
Molecular consequence: splice donor variant.
Genome position (GRCh38, 1-based): chrX:46,877,592, T>C. VCF-style: chrX-46877592-T-C. GRCh37 (hg19) VCF-style: chrX-46737027-T-C.
Identifiers: ClinVar variation 1043015 (VCV001043015.10), dbSNP rs1925392056, ClinGen allele CA413036377.